The following is an entry in ClinVar:

NM_000138.5(FBN1):c.2290G>T (p.Val764Phe)

Gene: FBN1 (fibrillin 1; minus strand). Cytogenetic location: 15q21.1.
Variant type: single nucleotide variant.
Coding change: c.2290G>T on transcript NM_000138.5 (MANE Select); coding-DNA position 2290, G replaced by T.
Protein change: p.Val764Phe; replaces valine 764 with phenylalanine.
Molecular consequence: missense variant.
Genome position (GRCh38, 1-based): chr15:48,497,269, C>A on the plus strand (G>T on the coding strand, the complement: FBN1 is on the minus strand). VCF-style: chr15-48497269-C-A. GRCh37 (hg19) VCF-style: chr15-48789466-C-A.
Other names: c.2290G>T, p.Val764Phe (NM_001406716.1); short protein forms V764F.
Identifiers: ClinVar variation 1789110 (VCV001789110.5), dbSNP rs769641351, ClinGen allele CA392335580.

ClinVar aggregate classification (germline): Uncertain significance. Review status: criteria provided, multiple submitters, no conflicts (2 of 4 stars). 3 submissions from 3 submitters: Uncertain significance (3). Last evaluated 2024-09-09.

Conditions:
Marfan syndrome (MFS). Also called: Marfan's syndrome; Marfan syndrome, classic; MARFAN SYNDROME, TYPE I; Marfan syndrome type 1; FBN1-Related Marfan Syndrome. Identifiers: Orphanet 284963, Orphanet 558, MedGen C0024796, MONDO:0007947, OMIM 154700.
Familial thoracic aortic aneurysm and aortic dissection (TAAD). Also called: Thoracic aortic aneurysms and dissections. Identifiers: Orphanet 91387, MedGen C4707243, MONDO:0019625.

gnomAD v4.1: 3 of 1,613,996 alleles (0.00019%); highest among the groups gnomAD compares: Non-Finnish European, 0.00025%; no homozygotes.

Submissions (3):

Labcorp Genetics (formerly Invitae), Labcorp
Classification: Uncertain significance for Marfan syndrome; Familial thoracic aortic aneurysm and aortic dissection. Last evaluated: 2024-09-09. Review status: criteria provided, single submitter. Criteria: Invitae Variant Classification Sherloc (09022015). Collection method: clinical testing. Allele origin: germline.
Comment: This sequence change replaces valine, which is neutral and non-polar, with phenylalanine, which is neutral and non-polar, at codon 764 of the FBN1 protein (p.Val764Phe). This variant is not present in population databases (gnomAD no frequency). This variant has not been reported in the literature in individuals affected with FBN1-related conditions. ClinVar contains an entry for this variant (Variation ID: 1789110). Invitae Evidence Modeling of protein sequence and biophysical properties (such as structural, functional, and spatial information, amino acid conservation, physicochemical variation, residue mobility, and thermodynamic stability) has been performed for this missense variant. However, the output from this modeling did not meet the statistical confidence thresholds required to predict the impact of this variant on FBN1 protein function. In summary, the available evidence is currently insufficient to determine the role of this variant in disease. Therefore, it has been classified as a Variant of Uncertain Significance.

GeneDx
Classification: Uncertain significance. Last evaluated: 2023-07-24. Review status: criteria provided, single submitter. Criteria: GeneDx Variant Classification Process June 2021. Collection method: clinical testing. Allele origin: germline. Affected: yes.
Comment: Not observed at significant frequency in large population cohorts (gnomAD); In silico analysis supports that this missense variant has a deleterious effect on protein structure/function; Has not been previously published as pathogenic or benign to our knowledge

Ambry Genetics
Classification: Uncertain significance for Familial thoracic aortic aneurysm and aortic dissection. Last evaluated: 2019-08-20. Review status: criteria provided, single submitter. Criteria: Ambry Variant Classification Scheme 2023. Collection method: clinical testing. Allele origin: germline.
Comment: The p.V764F variant (also known as c.2290G>T), located in coding exon 18 of the FBN1 gene, results from a G to T substitution at nucleotide position 2290. The valine at codon 764 is replaced by phenylalanine, an amino acid with highly similar properties. This amino acid position is not well conserved in available vertebrate species. In addition, the in silico prediction for this alteration is inconclusive. Since supporting evidence is limited at this time, the clinical significance of this alteration remains unclear.